The following is an entry in ClinVar:

NM_000256.3(MYBPC3):c.3791G>A (p.Cys1264Tyr)

Gene: MYBPC3 (myosin binding protein C3; minus strand). Cytogenetic location: 11p11.2.
Variant type: single nucleotide variant.
Coding change: c.3791G>A on transcript NM_000256.3 (MANE Select); coding-DNA position 3791, G replaced by A.
Protein change: p.Cys1264Tyr; replaces cysteine 1264 with tyrosine.
Molecular consequence: missense variant.
Genome position (GRCh38, 1-based): chr11:47,332,095, C>T on the plus strand (G>A on the coding strand, the complement: MYBPC3 is on the minus strand). VCF-style: chr11-47332095-C-T. GRCh37 (hg19) VCF-style: chr11-47353646-C-T.
Other names: p.C1264Y:TGT>TAT; short protein forms C1264Y.
Identifiers: ClinVar variation 42742 (VCV000042742.19), dbSNP rs397514751, ClinGen allele CA014899.

ClinVar aggregate classification (germline): Uncertain significance. Review status: criteria provided, multiple submitters, no conflicts (2 of 4 stars). 6 submissions from 6 submitters: Uncertain significance (6). Last evaluated 2025-09-14.

Conditions:
Cardiovascular phenotype. Identifiers: MedGen CN230736.
Hypertrophic cardiomyopathy 4. Also called: Familial hypertrophic cardiomyopathy 4. Identifiers: MedGen C1861862, MONDO:0007268, OMIM 115197.
Left ventricular noncompaction 10 (LVNC10). Identifiers: Orphanet 154, Orphanet 54260, MedGen C3715165, MONDO:0014163, OMIM 615396.
SUDDEN INFANT DEATH SYNDROME (SIDS). Also called: Sudden Infant Death. Identifiers: MedGen C0038644, MeSH D013398, OMIM 272120.
Hypertrophic cardiomyopathy. Also called: HYPERTROPHIC MYOCARDIOPATHY. Identifiers: Orphanet 217569, MedGen C0007194, MeSH D002312, MONDO:0005045, HP:0001639.

Allele frequency attached by ClinVar (database versions not stated): gnomAD exomes below 0.00001; ExAC 0.00001.
gnomAD v4.1: 4 of 1,612,088 alleles (0.00025%); highest among the groups gnomAD compares: Non-Finnish European, 0.00034%; no homozygotes.

Submissions (6):

Labcorp Genetics (formerly Invitae), Labcorp
Classification: Uncertain significance for Hypertrophic cardiomyopathy. Last evaluated: 2025-09-14. Review status: criteria provided, single submitter. Criteria: Invitae Variant Classification Sherloc (09022015). Collection method: clinical testing. Allele origin: germline.
Comment: This sequence change replaces cysteine, which is neutral and slightly polar, with tyrosine, which is neutral and polar, at codon 1264 of the MYBPC3 protein (p.Cys1264Tyr). This variant is present in population databases (rs397514751, gnomAD 0.0009%). This missense change has been observed in individual(s) with clinical features of MYBPC3-related conditions (PMID: 24793961, 27532257, 35027292, 37652022). ClinVar contains an entry for this variant (Variation ID: 42742). An algorithm developed to predict the effect of missense changes on protein structure and function (PolyPhen-2) suggests that this variant is likely to be disruptive. In summary, the available evidence is currently insufficient to determine the role of this variant in disease. Therefore, it has been classified as a Variant of Uncertain Significance.

GeneDx
Classification: Uncertain significance. Last evaluated: 2023-04-05. Review status: criteria provided, single submitter. Criteria: GeneDx Variant Classification Process June 2021. Collection method: clinical testing. Allele origin: germline. Affected: yes.
Comment: Has been reported in association with hypertrophic cardiomyopathy or sudden unexplained death in individuals referred for genetic testing of cardiomyopathy and in published literature, however no clinical or segregation data was disclosed (Bos et al., 2014; Walsh et al., 2017; Koh et al., 2022).; Not observed at significant frequency in large population cohorts (gnomAD); At the mRNA level, in silico analysis suggests this variant may impact gene splicing. In the absence of RNA/functional studies, the actual effect of this sequence change is unknown.; At the protein level, in silico analysis supports that this missense variant does not alter protein structure/function; This variant is associated with the following publications: (PMID: 27532257, 35027292, 36910592, 24793961, 28679633)

Ambry Genetics
Classification: Uncertain significance for Cardiovascular phenotype. Last evaluated: 2022-08-03. Review status: criteria provided, single submitter. Criteria: Ambry Variant Classification Scheme 2023. Collection method: clinical testing. Allele origin: germline.

Fulgent Genetics
Classification: Uncertain significance for Hypertrophic cardiomyopathy 4; Left ventricular noncompaction 10. Last evaluated: 2021-11-17. Review status: criteria provided, single submitter. Criteria: ACMG Guidelines, 2015. Collection method: clinical testing. Allele origin: unknown.

Robert's Program, Boston Children's Hospital
Classification: Uncertain significance for SUDDEN INFANT DEATH SYNDROME. Last evaluated: 2021-10-01. Review status: criteria provided, single submitter. Criteria: ACMG Guidelines, 2015. Collection method: research. Allele origin: germline. Affected: yes.
Comment: Deleterious splicing variant

Laboratory for Molecular Medicine, Mass General Brigham Personalized Medicine
Classification: Uncertain significance. Last evaluated: 2010-06-25. Review status: criteria provided, single submitter. Criteria: LMM Criteria. Collection method: clinical testing. Allele origin: germline. Observed: 1 variant allele.

Literature cited by the submitters: PubMed 24793961 (cited by Labcorp Genetics (formerly Invitae), Labcorp); PubMed 27532257 (cited by Labcorp Genetics (formerly Invitae), Labcorp); PubMed 35027292 (cited by Labcorp Genetics (formerly Invitae), Labcorp); PubMed 37652022 (cited by Labcorp Genetics (formerly Invitae), Labcorp).